The following is an entry in ClinVar:

ClinVar aggregate classification (germline): Uncertain significance. Review status: criteria provided, multiple submitters, no conflicts (2 of 4 stars). 3 submissions from 3 submitters: Uncertain significance (2). 1 of the submissions does not count toward it. Last evaluated 2024-06-08.

Conditions:
Familial infantile myasthenia (CMS6). Also called: Congenital myasthenic syndrome type 6; MYASTHENIC SYNDROME, PRESYNAPTIC, CONGENITAL, ASSOCIATED WITH EPISODIC APNEA; MYASTHENIC SYNDROME, CONGENITAL, 6, PRESYNAPTIC. Identifiers: Orphanet 590, MedGen C0393929, MONDO:0009689, OMIM 254210.

Submissions (3):

GeneDx
Classification: Uncertain significance. Last evaluated: 2024-06-08. Review status: criteria provided, single submitter. Criteria: GeneDx Variant Classification Process June 2021. Collection method: clinical testing. Allele origin: germline. Affected: yes.
Comment: Identified in a patient with congenital myasthenia in published literature (PMID: 29054425); Not observed at significant frequency in large population cohorts (gnomAD); In silico analysis supports that this missense variant has a deleterious effect on protein structure/function; This variant is associated with the following publications: (PMID: 26080897, 23330640, 29054425)

Women's Health and Genetics/Laboratory Corporation of America, LabCorp
Classification: Uncertain significance. Last evaluated: 2024-05-23. Review status: criteria provided, single submitter. Criteria: LabCorp Variant Classification Summary - May 2015. Collection method: clinical testing. Allele origin: germline.
Comment: Variant summary: CHAT c.1231G>A (p.Gly411Arg) results in a non-conservative amino acid change located in the Choline/carnitine acyltransferase domain (IPR039551) of the encoded protein sequence. Five of five in-silico tools predict a damaging effect of the variant on protein function. The variant allele was found at a frequency of 2e-05 in 251254 control chromosomes. The available data on variant occurrences in the general population are insufficient to allow any conclusion about variant significance. c.1231G>A has been reported in the literature in at least one compound heterozygous individual affected with Congenital Myasthenic Syndrome (e.g. Natera-deBenito_2017). This report does not provide sufficient evidence to allow unequivocal conclusions about association of the variant with Congenital Myasthenic Syndrome. To our knowledge, no experimental evidence demonstrating an impact on protein function has been reported. The following publication has been ascertained in the context of this evaluation (PMID: 29054425). No submitters have cited clinical-significance assessments for this variant to ClinVar. Based on the evidence outlined above, the variant was classified as uncertain significance.

Department of Anatomy, Sapporo Medical University
Classification: Likely pathogenic for Familial infantile myasthenia. Last evaluated: 2025-05-20. Review status: no assertion criteria provided. Collection method: clinical testing. Allele origin: germline. Affected: yes. Not counted in ClinVar's aggregate classification.

Literature cited by the submitters: PubMed 29054425 (cited by Women's Health and Genetics/Laboratory Corporation of America, LabCorp); PubMed 38833907 (cited by Department of Anatomy, Sapporo Medical University).

NM_020549.5(CHAT):c.1231G>A (p.Gly411Arg)

Gene: CHAT (choline O-acetyltransferase; plus strand). Cytogenetic location: 10q11.23.
Variant type: single nucleotide variant.
Coding change: c.1231G>A on transcript NM_020549.5 (MANE Select); coding-DNA position 1231, G replaced by A.
Protein change: p.Gly411Arg; replaces glycine 411 with arginine.
Molecular consequence: missense variant.
Genome position (GRCh38, 1-based): chr10:49,646,624, G>A. VCF-style: chr10-49646624-G-A. GRCh37 (hg19) VCF-style: chr10-50854670-G-A.
Other names: c.1231G>A (NM_020549.4); c.877G>A, p.Gly293Arg (NM_001142929.2, NM_001142934.2, NM_020984.4 and 2 more transcripts); c.985G>A, p.Gly329Arg (NM_001142933.2); short protein forms G293R, G329R, G411R.
Identifiers: ClinVar variation 3336426 (VCV003336426.3).
Genomic context (GRCh38, chr10:49,646,624, plus strand): 5'-GACGCGCCAGGAGGCGTGGAGCTCAGCGACACCCACAGGGCACTCCAGCTCCTTCACGGC[G>A]GAGGCTACAGCAAGAACGGGGCCAATCGCTGGTACGACAAGTCCCTGCAGGTAAGCCGTC-3'
Protein context (NP_065574.4, residues 401-421): THRALQLLHG[Gly411Arg]GYSKNGANRW